The following is an entry in ClinVar:

NM_000660.7(TGFB1):c.870GAA[1] (p.Lys291del)

Gene: TGFB1 (transforming growth factor beta 1; minus strand). Cytogenetic location: 19q13.2.
Variant type: Microsatellite.
Coding change: c.870GAA[1] on transcript NM_000660.7 (MANE Select); one copy of the 3-base unit GAA starting at c.870; the reference has two copies in a row; one copy, 3 bases deleted.
Protein change: p.Lys291del; deletes lysine 291.
Molecular consequence: inframe deletion.
Genome position (GRCh38, 1-based): chr19:41,332,267-41,332,269, TTC deleted on the plus strand (GAA on the coding strand, the reverse complement: TGFB1 is on the minus strand); deleting any 3 consecutive bases within chr19:41,332,267-41,332,273 gives the same sequence; the position shown is the placement nearest the transcript's 3' end. VCF-style (leftmost placement, unchanged base first): chr19-41332266-GTTC-G. GRCh37 (hg19) VCF-style: chr19-41838171-GTTC-G.
Other names: short protein forms K291del.
Identifiers: ClinVar variation 1502131 (VCV001502131.6), dbSNP rs774427089, ClinGen allele CA9459957.

ClinVar aggregate classification (germline): Uncertain significance (1 of 4 stars; one submission).

Submission:

Labcorp Genetics (formerly Invitae), Labcorp
Classification: Uncertain significance. Last evaluated: 2025-07-30. Review status: criteria provided, single submitter. Criteria: Invitae Variant Classification Sherloc (09022015). Collection method: clinical testing. Allele origin: germline.
Comment: This variant, c.873_875del, results in the deletion of 1 amino acid(s) of the TGFB1 protein (p.Lys291del), but otherwise preserves the integrity of the reading frame. This variant is present in population databases (rs774427089, gnomAD 0.0009%). This variant has not been reported in the literature in individuals affected with TGFB1-related conditions. Experimental studies and prediction algorithms are not available or were not evaluated, and the functional significance of this variant is currently unknown. In summary, the available evidence is currently insufficient to determine the role of this variant in disease. Therefore, it has been classified as a Variant of Uncertain Significance.